The following is an entry in ClinVar:

ClinVar aggregate classification (germline): Uncertain significance. Review status: criteria provided, multiple submitters, no conflicts (2 of 4 stars). 4 submissions from 4 submitters: Uncertain significance (4). Last evaluated 2025-08-27.

Conditions:
MIRAGE syndrome. Also called: MYELODYSPLASIA, INFECTION, RESTRICTION OF GROWTH, ADRENAL HYPOPLASIA, GENITAL PHENOTYPES, AND ENTEROPATHY. Identifiers: Orphanet 494433, MedGen C4284088, MONDO:0014888, OMIM 617053.
Normophosphatemic familial tumoral calcinosis. Also called: CALCINOSIS, TUMORAL, WITH NORMOPHOSPHATEMIA. Identifiers: Orphanet 306658, Orphanet 53715, MedGen C1864861, MONDO:0012502, OMIM 610455.

Allele frequency attached by ClinVar (database versions not stated): gnomAD 0.00001; TOPMed 0.00001.

Submissions (4):

Myriad Genetics, Inc.
Classification: Uncertain significance for Normophosphatemic familial tumoral calcinosis. Last evaluated: 2025-08-27. Review status: criteria provided, single submitter. Criteria: Myriad Autosomal Dominant, Autosomal Recessive and X-Linked Classification Criteria (2023). Collection method: clinical testing. Allele origin: unknown.
Comment: NM_017654.3(SAMD9):c.3322C>T(Q1108*) is a nonsense variant classified as a variant of uncertain significance in the context of normophosphatemic familial tumoral calcinosis. Q1108* has not been observed in cases with relevant disease. Relevant functional assessments of this variant are not available in the literature. Q1108* has not been observed in referenced population frequency databases. In summary, there is insufficient evidence to classify NM_017654.3(SAMD9):c.3322C>T(Q1108*) as pathogenic or benign. Please note: this variant was assessed in the context of healthy population screening.

GeneDx
Classification: Uncertain significance. Last evaluated: 2024-07-31. Review status: criteria provided, single submitter. Criteria: GeneDx Variant Classification Process June 2021. Collection method: clinical testing. Allele origin: germline. Affected: yes.
Comment: Has not been previously published as pathogenic or benign to our knowledge; Not observed at significant frequency in large population cohorts (gnomAD); Nonsense variant predicted to result in protein truncation as the last 482 amino acids are lost in a gene for which loss-of-function is not an established mechanism of disease; This variant is associated with the following publications: (PMID: 28545555)

Labcorp Genetics (formerly Invitae), Labcorp
Classification: Uncertain significance. Last evaluated: 2023-05-22. Review status: criteria provided, single submitter. Criteria: Invitae Variant Classification Sherloc (09022015). Collection method: clinical testing. Allele origin: germline.
Comment: This variant is not present in population databases (gnomAD no frequency). This sequence change creates a premature translational stop signal (p.Gln1108*) in the SAMD9 gene. While this is not anticipated to result in nonsense mediated decay, it is expected to disrupt the last 482 amino acid(s) of the SAMD9 protein. Experimental studies and prediction algorithms are not available or were not evaluated, and the functional significance of this variant is currently unknown. ClinVar contains an entry for this variant (Variation ID: 1320292). This variant has not been reported in the literature in individuals affected with SAMD9-related conditions. In summary, the available evidence is currently insufficient to determine the role of this variant in disease. Therefore, it has been classified as a Variant of Uncertain Significance.

St. Jude Molecular Pathology, St. Jude Children's Research Hospital
Classification: Uncertain significance for MIRAGE syndrome. Last evaluated: 2021-10-20. Review status: criteria provided, single submitter. Criteria: St. Jude Assertion Criteria 2020. Collection method: clinical testing. Allele origin: germline.
Comment: The SAMD9 c.3322C>T (p.Gln1108Ter) change is a nonsense variant that is predicted to cause premature protein truncation, however the functional significance of this variant is currently unknown. This variant is absent in gnomAD v2.1.1 (PM2_supporting). To our knowledge, this variant has not been reported in individuals with SAMD9-associated conditions. In summary, this variant meets criteria to be classified as of uncertain significance based on the ACMG/AMP criteria: PM2_supporting.

NM_017654.4(SAMD9):c.3322C>T (p.Gln1108Ter)

Gene: SAMD9 (sterile alpha motif domain containing 9; minus strand). Cytogenetic location: 7q21.2.
Variant type: single nucleotide variant.
Coding change: c.3322C>T on transcript NM_017654.4 (MANE Select); coding-DNA position 3322, C replaced by T.
Protein change: p.Gln1108Ter; replaces glutamine 1108 with a stop codon.
Molecular consequence: nonsense.
Genome position (GRCh38, 1-based): chr7:93,102,776, G>A on the plus strand (C>T on the coding strand, the complement: SAMD9 is on the minus strand). VCF-style: chr7-93102776-G-A. GRCh37 (hg19) VCF-style: chr7-92732089-G-A.
Other names: c.3322C>T, p.Gln1108Ter (NM_001193307.2); short protein forms Q1108*.
Identifiers: ClinVar variation 1320292 (VCV001320292.11), dbSNP rs1409346812, ClinGen allele CA368185872.